The following is an entry in ClinVar:

ClinVar aggregate classification (germline): Conflicting classifications of pathogenicity. Review status: criteria provided, conflicting classifications (1 of 4 stars). 3 submissions from 3 submitters: Uncertain significance (1); Likely benign (2). Last evaluated 2026-01-29.

Allele frequency attached by ClinVar (database versions not stated): gnomAD exomes 0.00009 and 0.00026; ExAC 0.00010; gnomAD 0.00011; TOPMed 0.00014; ESP Exome Variant Server 0.00015; 1000 Genomes Project 30x 0.00016; 1000 Genomes Project 0.00020.
gnomAD v4.1: 387 of 1,612,482 alleles (0.024%); highest among the groups gnomAD compares: Non-Finnish European, 0.032%; no homozygotes.

Submissions (3):

Labcorp Genetics (formerly Invitae), Labcorp
Classification: Uncertain significance. Last evaluated: 2026-01-29. Review status: criteria provided, single submitter. Criteria: Invitae Variant Classification Sherloc (09022015). Collection method: clinical testing. Allele origin: germline.
Comment: This sequence change replaces asparagine, which is neutral and polar, with serine, which is neutral and polar, at codon 173 of the CD81 protein (p.Asn173Ser). This variant is present in population databases (rs149336067, gnomAD 0.02%). This variant has not been reported in the literature in individuals affected with CD81-related conditions. ClinVar contains an entry for this variant (Variation ID: 1363374). An algorithm developed to predict the effect of missense changes on protein structure and function outputs the following: PolyPhen-2: "Benign". The serine amino acid residue is found in multiple mammalian species, which suggests that this missense change does not adversely affect protein function. In summary, the available evidence is currently insufficient to determine the role of this variant in disease. Therefore, it has been classified as a Variant of Uncertain Significance.

Blueprint Genetics
Classification: Likely benign. Last evaluated: 2024-10-25. Review status: criteria provided, single submitter. Criteria: ACMG Guidelines, 2015. Collection method: clinical testing. Allele origin: germline.

Ambry Genetics
Classification: Likely benign. Last evaluated: 2023-05-05. Review status: criteria provided, single submitter. Criteria: Ambry Variant Classification Scheme 2023. Collection method: clinical testing. Allele origin: germline.

NM_004356.4(CD81):c.518A>G (p.Asn173Ser)

Gene: CD81 (CD81 molecule; plus strand). Cytogenetic location: 11p15.5.
Variant type: single nucleotide variant.
Coding change: c.518A>G on transcript NM_004356.4 (MANE Select); coding-DNA position 518, A replaced by G.
Protein change: p.Asn173Ser; replaces asparagine 173 with serine.
Molecular consequence: missense variant.
Genome position (GRCh38, 1-based): chr11:2,395,927, A>G. VCF-style: chr11-2395927-A-G. GRCh37 (hg19) VCF-style: chr11-2417157-A-G.
Other names: c.518A>G (NM_004356.3); c.305A>G, p.Asn102Ser (NM_001297649.2); short protein forms N173S, N102S.
Identifiers: ClinVar variation 1363374 (VCV001363374.8), dbSNP rs149336067, ClinGen allele CA5820053.
Genomic context (GRCh38, chr11:2,395,927, plus strand): 5'-AGCTTGACTGCTGTGGCTCCAGCACACTGACTGCTTTGACCACCTCAGTGCTCAAGAACA[A>G]TTTGTGTCCCTCGGGCAGCAACATCATCAGCAACCTCTTCAAGGTGCGCGAGGCCGGTGG-3'
Protein context (NP_004347.1, residues 163-183): TALTTSVLKN[Asn173Ser]LCPSGSNIIS